The following is an entry in ClinVar:

ClinVar aggregate classification (germline): Pathogenic. Review status: criteria provided, multiple submitters, no conflicts (2 of 4 stars). 6 submissions from 6 submitters: Pathogenic (5). 1 of the submissions does not count toward it. Last evaluated 2025-11-27.

Conditions:
Primary hyperoxaluria, type II (HP2). Also called: D-GLYCERATE DEHYDROGENASE DEFICIENCY; GLYCERIC ACIDURIA; GLYOXYLATE REDUCTASE/HYDROXYPYRUVATE REDUCTASE DEFICIENCY; OXALOSIS II; Primary hyperoxaluria type 2. Identifiers: Orphanet 416, Orphanet 93599, MedGen C0268165, MONDO:0009824, OMIM 260000. Disease mechanism: loss of function.

Submissions (6):

Natera, Inc.
Classification: Pathogenic for Primary hyperoxaluria type II. Last evaluated: 2025-11-27. Review status: criteria provided, single submitter. Criteria: Natera Variant Classification Schema (03/2026). Collection method: clinical testing. Allele origin: germline.
Comment: The c.694delC variant in GRHPR is a frameshift variant predicted to shift the reading frame beginning at codon 232 and leads to a stop codon 3 codons downstream. This variant is expected to result in nonsense mediated decay, truncation, or a dysfunctional protein product. This variant is rare in the general population with a frequency below the threshold expected for the associated phenotype(s). This variant has been observed in one or more individuals affected with the associated recessive disease, as either homozygous or compound heterozygous with a second variant (PMID: 25644115). Given the available evidence, this variant is classified as Pathogenic.

Labcorp Genetics (formerly Invitae), Labcorp
Classification: Pathogenic. Last evaluated: 2024-02-26. Review status: criteria provided, single submitter. Criteria: Invitae Variant Classification Sherloc (09022015). Collection method: clinical testing. Allele origin: germline.
Comment: This sequence change creates a premature translational stop signal (p.Gln232Argfs*3) in the GRHPR gene. It is expected to result in an absent or disrupted protein product. Loss-of-function variants in GRHPR are known to be pathogenic (PMID: 25644115). This variant is present in population databases (rs796052082, gnomAD 0.02%). This premature translational stop signal has been observed in individuals with hyperoxaluria (PMID: 25410531, 25644115). ClinVar contains an entry for this variant (Variation ID: 204253). For these reasons, this variant has been classified as Pathogenic.

Baylor Genetics
Classification: Pathogenic for Primary hyperoxaluria, type II. Last evaluated: 2023-11-28. Review status: criteria provided, single submitter. Criteria: ACMG Guidelines, 2015. Collection method: clinical testing. Allele origin: unknown.

GeneDx
Classification: Pathogenic. Last evaluated: 2020-10-14. Review status: criteria provided, single submitter. Criteria: GeneDx Variant Classification Process June 2021. Collection method: clinical testing. Allele origin: germline. Affected: yes.
Comment: Frameshift variant predicted to result in protein truncation or nonsense mediated decay in a gene for which loss-of-function is a known mechanism of disease; This variant is associated with the following publications: (PMID: 25410531)

Revvity Omics, Revvity
Classification: Pathogenic for Primary hyperoxaluria, type II. Last evaluated: 2020-09-30. Review status: criteria provided, single submitter. Criteria: ACMG Guidelines, 2015. Collection method: clinical testing. Allele origin: germline.

Clinical Biochemistry Laboratory, Health Services Laboratory
Classification: Pathogenic for Primary hyperoxaluria, type II. Last evaluated: 2014-11-27. Review status: no assertion criteria provided. Collection method: in vitro. Allele origin: germline. Affected: yes. Not counted in ClinVar's aggregate classification.

Literature cited by the submitters: PubMed 25644115 (cited by Natera, Inc. and Labcorp Genetics (formerly Invitae), Labcorp); PubMed 25410531 (cited by Labcorp Genetics (formerly Invitae), Labcorp and Clinical Biochemistry Laboratory, Health Services Laboratory).

NM_012203.2(GRHPR):c.694del (p.Gln232fs)

Gene: GRHPR (glyoxylate and hydroxypyruvate reductase; plus strand). Cytogenetic location: 9p13.2.
Variant type: Deletion.
Coding change: c.694del on transcript NM_012203.2 (MANE Select); coding-DNA position 694, one base deleted (C; older notation c.694delC).
Protein change: p.Gln232fs; shifts the reading frame from glutamine 232.
Molecular consequence: frameshift variant.
Genome position (GRCh38, 1-based): chr9:37,430,606, C deleted; the last of 2 consecutive C bases (chr9:37,430,605-37,430,606); deleting either gives the same sequence. VCF-style (leftmost placement, unchanged base first): chr9-37430604-TC-T. GRCh37 (hg19) VCF-style: chr9-37430601-TC-T.
Other names: c.694delC (NM_012203.2); c.694del (NM_012203.1); short protein forms Q232fs.
Identifiers: ClinVar variation 204253 (VCV000204253.19), dbSNP rs796052082, ClinGen allele CA275912.